The following is an entry in ClinVar:

ClinVar aggregate classification (germline): Uncertain significance (1 of 4 stars; one submission).

Submission:

GeneDx
Classification: Uncertain significance. Last evaluated: 2024-05-15. Review status: criteria provided, single submitter. Criteria: GeneDx Variant Classification Process June 2021. Collection method: clinical testing. Allele origin: germline. Affected: yes.
Comment: Not observed at significant frequency in large population cohorts (gnomAD); In silico analysis indicates that this missense variant does not alter protein structure/function; Has not been previously published as pathogenic or benign to our knowledge; This variant is associated with the following publications: (PMID: 18466115)

NM_000368.5(TSC1):c.1156A>T (p.Thr386Ser)

Gene: TSC1 (TSC complex subunit 1; minus strand). Cytogenetic location: 9q34.13.
Variant type: single nucleotide variant.
Coding change: c.1156A>T on transcript NM_000368.5 (MANE Select); coding-DNA position 1156, A replaced by T.
Protein change: p.Thr386Ser; replaces threonine 386 with serine.
Molecular consequence: missense variant. On other transcripts: non-coding transcript variant (5).
Genome position (GRCh38, 1-based): chr9:132,910,678, T>A on the plus strand (A>T on the coding strand, the complement: TSC1 is on the minus strand). VCF-style: chr9-132910678-T-A. GRCh37 (hg19) VCF-style: chr9-135786065-T-A.
Other names: c.1153A>T, p.Thr385Ser (NM_001162426.2, NM_001406597.1, NM_001406598.1 and 6 more transcripts); c.1003A>T, p.Thr335Ser (NM_001162427.2, NM_001406610.1); c.793A>T, p.Thr265Ser (NM_001362177.2, NM_001406614.1, NM_001406615.1 and 5 more transcripts); c.1156A>T, p.Thr386Ser (NM_001406592.1, NM_001406593.1, NM_001406594.1 and 7 more transcripts); c.1000A>T, p.Thr334Ser (NM_001406611.1, NM_001406612.1, NM_001406613.1); c.790A>T, p.Thr264Ser (NM_001406620.1, NM_001406621.1, NM_001406622.1 and 2 more transcripts); c.205A>T, p.Thr69Ser (NM_001406626.1); c.202A>T, p.Thr68Ser (NM_001406627.1, NM_001406628.1); and 1 more; short protein forms T264S, T265S, T334S, T335S, T35S, T385S, T386S, T68S.
Identifiers: ClinVar variation 3377920 (VCV003377920.1).